The following is an entry in ClinVar:

NM_004364.5(CEBPA):c.686C>G (p.Pro229Arg)

Gene: CEBPA (CCAAT enhancer binding protein alpha; minus strand). Cytogenetic location: 19q13.11.
Variant type: single nucleotide variant.
Coding change: c.686C>G on transcript NM_004364.5 (MANE Select); coding-DNA position 686, C replaced by G.
Protein change: p.Pro229Arg; replaces proline 229 with arginine.
Molecular consequence: missense variant.
Genome position (GRCh38, 1-based): chr19:33,301,729, G>C on the plus strand (C>G on the coding strand, the complement: CEBPA is on the minus strand). VCF-style: chr19-33301729-G-C. GRCh37 (hg19) VCF-style: chr19-33792635-G-C.
Other names: c.329C>G, p.Pro110Arg (NM_001285829.2); c.791C>G, p.Pro264Arg (NM_001287424.2); c.644C>G, p.Pro215Arg (NM_001287435.2); short protein forms P110R, P215R, P264R, P229R.
Identifiers: ClinVar variation 2000622 (VCV002000622.4), dbSNP rs2513329650, ClinGen allele CA405274417.

ClinVar aggregate classification (germline): Uncertain significance (1 of 4 stars; one submission).

Conditions:
Acute myeloid leukemia (AML). Also called: Acute myeloid leukemia, adult; AML adult; Acute non-lymphocytic leukemia; Acute granulocytic leukemia; Leukemia, acute myeloid, somatic; Leukemia, acute myelogenous, somatic. Identifiers: Orphanet 519, MedGen C0023467, MeSH D015470, MONDO:0018874, OMIM 601626, HP:0004808. Disease mechanism: Constitutively activated FLT3.

Submission:

Labcorp Genetics (formerly Invitae), Labcorp
Classification: Uncertain significance for Acute myeloid leukemia. Last evaluated: 2022-05-29. Review status: criteria provided, single submitter. Criteria: Invitae Variant Classification Sherloc (09022015). Collection method: clinical testing. Allele origin: germline.
Comment: Algorithms developed to predict the effect of missense changes on protein structure and function are either unavailable or do not agree on the potential impact of this missense change (SIFT: "Tolerated"; PolyPhen-2: "Probably Damaging"; Align-GVGD: "Class C0"). This variant has not been reported in the literature in individuals affected with CEBPA-related conditions. This variant is not present in population databases (gnomAD no frequency). This sequence change replaces proline, which is neutral and non-polar, with arginine, which is basic and polar, at codon 229 of the CEBPA protein (p.Pro229Arg). In summary, the available evidence is currently insufficient to determine the role of this variant in disease. Therefore, it has been classified as a Variant of Uncertain Significance.